The following is an entry in ClinVar:

ClinVar aggregate classification (germline): Likely benign. Review status: criteria provided, single submitter (1 of 4 stars). 2 submissions from 2 submitters: Likely benign (1). 1 of the submissions does not count toward it. Last evaluated 2024-11-04.

Conditions:
SCN3A-related disorder. Also called: SCN3A-related condition.

Allele frequency attached by ClinVar (database versions not stated): ExAC 0.00001; gnomAD exomes 0.00001; TOPMed 0.00002.
gnomAD v4.1: 16 of 1,613,988 alleles (0.00099%); highest among the groups gnomAD compares: South Asian, 0.0044%; no homozygotes.

Submissions (2):

Labcorp Genetics (formerly Invitae), Labcorp
Classification: Likely benign. Last evaluated: 2024-11-04. Review status: criteria provided, single submitter. Criteria: Invitae Variant Classification Sherloc (09022015). Collection method: clinical testing. Allele origin: germline.

PreventionGenetics, part of Exact Sciences
Classification: Likely benign for SCN3A-related condition. Last evaluated: 2020-01-27. Review status: no assertion criteria provided. Collection method: clinical testing. Allele origin: germline. Not counted in ClinVar's aggregate classification.
Comment: This variant is classified as likely benign based on ACMG/AMP sequence variant interpretation guidelines (Richards et al. 2015 PMID: 25741868, with internal and published modifications).

NM_006922.4(SCN3A):c.5406C>T (p.Pro1802=)

Gene: SCN3A (sodium voltage-gated channel alpha subunit 3; minus strand). Cytogenetic location: 2q24.3.
Variant type: single nucleotide variant.
Coding change: c.5406C>T on transcript NM_006922.4 (MANE Select); coding-DNA position 5406, C replaced by T.
Protein change: p.Pro1802=; no amino-acid change (proline 1802 retained).
Molecular consequence: synonymous variant.
Genome position (GRCh38, 1-based): chr2:165,090,747, G>A on the plus strand (C>T on the coding strand, the complement: SCN3A is on the minus strand). VCF-style: chr2-165090747-G-A. GRCh37 (hg19) VCF-style: chr2-165947257-G-A.
Other names: c.5406C>T (NM_006922.3); c.5259C>T, p.Pro1753= (NM_001081676.2, NM_001081677.2).
Identifiers: ClinVar variation 2884408 (VCV002884408.5), dbSNP rs749926517, ClinGen allele CA1938412.
Genomic context (GRCh38, chr2:165,090,747, plus strand): 5'-AGGATCCAGGGCAGCTGCAAAATCAGAGAGTTTAGAGAACTCTATAAACTGGGTCGCATC[G>A]GGATCAAACTTTTCCCAAACCTCATAGAACATCTCAAAGTCATCCTCACTCAGGGGCTCT-3'
Protein context (NP_008853.3, residues 1792-1812): MFYEVWEKFD[Pro1802=]DATQFIEFSK